The following is an entry in ClinVar:

NM_004946.3(DOCK2):c.4162A>G (p.Met1388Val)

Gene: DOCK2 (dedicator of cytokinesis 2; plus strand). Cytogenetic location: 5q35.1.
Variant type: single nucleotide variant.
Coding change: c.4162A>G on transcript NM_004946.3 (MANE Select); coding-DNA position 4162, A replaced by G.
Protein change: p.Met1388Val; replaces methionine 1388 with valine.
Molecular consequence: missense variant. On other transcripts: non-coding transcript variant (1).
Genome position (GRCh38, 1-based): chr5:170,050,346, A>G. VCF-style: chr5-170050346-A-G. GRCh37 (hg19) VCF-style: chr5-169477350-A-G.
Other names: short protein forms M1388V.
Identifiers: ClinVar variation 1387337 (VCV001387337.6), dbSNP rs762466077, ClinGen allele CA362110271.

ClinVar aggregate classification (germline): Uncertain significance (1 of 4 stars; one submission).

Conditions:
DOCK2 deficiency. Also called: Immunodeficiency 40. Identifiers: Orphanet 447737, MedGen C4225328, MONDO:0014637, OMIM 616433.

Submission:

Labcorp Genetics (formerly Invitae), Labcorp
Classification: Uncertain significance for DOCK2 deficiency. Last evaluated: 2022-08-16. Review status: criteria provided, single submitter. Criteria: Invitae Variant Classification Sherloc (09022015). Collection method: clinical testing. Allele origin: germline.
Comment: This variant has not been reported in the literature in individuals affected with DOCK2-related conditions. ClinVar contains an entry for this variant (Variation ID: 1387337). Algorithms developed to predict the effect of missense changes on protein structure and function (SIFT, PolyPhen-2, Align-GVGD) all suggest that this variant is likely to be tolerated. This variant is not present in population databases (gnomAD no frequency). This sequence change replaces methionine, which is neutral and non-polar, with valine, which is neutral and non-polar, at codon 1388 of the DOCK2 protein (p.Met1388Val). Algorithms developed to predict the effect of sequence changes on RNA splicing suggest that this variant may create or strengthen a splice site. In summary, the available evidence is currently insufficient to determine the role of this variant in disease. Therefore, it has been classified as a Variant of Uncertain Significance.